The following is an entry in ClinVar:

NM_004370.6(COL12A1):c.29_30delinsAA (p.Ala10Glu)

Gene: COL12A1 (collagen type XII alpha 1 chain; minus strand). Cytogenetic location: 6q14.1.
Variant type: Indel.
Coding change: c.29_30delinsAA on transcript NM_004370.6 (MANE Select); coding-DNA positions 29 to 30, CC replaced by AA.
Protein change: p.Ala10Glu; replaces alanine 10 with glutamic acid.
Molecular consequence: missense variant.
Genome position (GRCh38, 1-based): chr6:75,202,763-75,202,764, GG replaced by TT on the plus strand (CC replaced by AA on the coding strand, the reverse complement: COL12A1 is on the minus strand). VCF-style: chr6-75202763-GG-TT. GRCh37 (hg19) VCF-style: chr6-75912479-GG-TT.
Other names: c.29_30delCCinsAA (NM_004370.5); c.29_30delinsAA, p.Ala10Glu (NM_080645.3); short protein forms A10E.
Identifiers: ClinVar variation 576670 (VCV000576670.14), dbSNP rs1562335715, ClinGen allele CA891842787.

ClinVar aggregate classification (germline): Uncertain significance. Review status: criteria provided, multiple submitters, no conflicts (2 of 4 stars). 3 submissions from 3 submitters: Uncertain significance (3). Last evaluated 2025-12-01.

Conditions:
Ullrich congenital muscular dystrophy 2 (UCMD2). Identifiers: Orphanet 75840, MedGen C4225314, MONDO:0014654, OMIM 616470.
Bethlem myopathy 2 (BTHLM2). Identifiers: Orphanet 536516, Orphanet 610, MedGen C4225313, MONDO:0034022, OMIM 616471.

Submissions (3):

Labcorp Genetics (formerly Invitae), Labcorp
Classification: Uncertain significance for Bethlem myopathy 2; Ullrich congenital muscular dystrophy 2. Last evaluated: 2025-12-01. Review status: criteria provided, single submitter. Criteria: Invitae Variant Classification Sherloc (09022015). Collection method: clinical testing. Allele origin: germline.
Comment: This sequence change replaces alanine, which is neutral and non-polar, with glutamic acid, which is acidic and polar, at codon 10 of the COL12A1 protein (p.Ala10Glu). Information on the frequency of this variant in the gnomAD database is not available, as this variant may be reported differently in the database. This variant has not been reported in the literature in individuals affected with COL12A1-related conditions. ClinVar contains an entry for this variant (Variation ID: 576670). An algorithm developed to predict the effect of missense changes on protein structure and function (PolyPhen-2) suggests that this variant is likely to be disruptive. In summary, the available evidence is currently insufficient to determine the role of this variant in disease. Therefore, it has been classified as a Variant of Uncertain Significance.

GeneDx
Classification: Uncertain significance. Last evaluated: 2025-06-25. Review status: criteria provided, single submitter. Criteria: GeneDx Variant Classification Process June 2021. Collection method: clinical testing. Allele origin: germline. Affected: yes.
Comment: Has not been previously published as pathogenic or benign to our knowledge; No data available from ethnically-matched control populations to assess the frequency of this variant; In silico analysis supports that this variant does not alter protein structure/function

CENTOGENE GmbH and LLC - Guiding Precision Medicine
Classification: Uncertain significance for Bethlem myopathy 2. Last evaluated: 2021-06-02. Review status: criteria provided, single submitter. Criteria: ACMG Guidelines, 2015. Collection method: clinical testing. Allele origin: maternal. Affected: yes.